The following is an entry in ClinVar:

NM_005477.3(HCN4):c.185C>T (p.Ala62Val)

Gene: HCN4 (hyperpolarization activated cyclic nucleotide gated potassium channel 4; minus strand). Cytogenetic location: 15q24.1.
Variant type: single nucleotide variant.
Coding change: c.185C>T on transcript NM_005477.3 (MANE Select); coding-DNA position 185, C replaced by T.
Protein change: p.Ala62Val; replaces alanine 62 with valine.
Molecular consequence: missense variant.
Genome position (GRCh38, 1-based): chr15:73,368,086, G>A on the plus strand (C>T on the coding strand, the complement: HCN4 is on the minus strand). VCF-style: chr15-73368086-G-A. GRCh37 (hg19) VCF-style: chr15-73660427-G-A.
Other names: short protein forms A62V.
Identifiers: ClinVar variation 649708 (VCV000649708.8), dbSNP rs1595837637, ClinGen allele CA393098770.

ClinVar aggregate classification (germline): Uncertain significance (1 of 4 stars; one submission).

Conditions:
Brugada syndrome 8 (BRGDA8). Identifiers: Orphanet 130, MedGen C2751083, MONDO:0013148, OMIM 613123.

Allele frequency attached by ClinVar (database versions not stated): gnomAD exomes below 0.00001.

Submission:

Labcorp Genetics (formerly Invitae), Labcorp
Classification: Uncertain significance for Brugada syndrome 8. Last evaluated: 2018-09-18. Review status: criteria provided, single submitter. Criteria: Invitae Variant Classification Sherloc (09022015). Collection method: clinical testing. Allele origin: germline.
Comment: In summary, the available evidence is currently insufficient to determine the role of this variant in disease. Therefore, it has been classified as a Variant of Uncertain Significance. Algorithms developed to predict the effect of sequence changes on RNA splicing suggest that this variant may create or strengthen a splice site, but this prediction has not been confirmed by published transcriptional studies. Algorithms developed to predict the effect of missense changes on protein structure and function are either unavailable or do not agree on the potential impact of this missense change (SIFT: "Deleterious"; PolyPhen-2: "Not Available"; Align-GVGD: "Class C0"). This variant has not been reported in the literature in individuals with HCN4-related disease. The frequency data for this variant in the population databases is considered unreliable, as metrics indicate insufficient coverage at this position in the ExAC database. This sequence change replaces alanine with valine at codon 62 of the HCN4 protein (p.Ala62Val). The alanine residue is moderately conserved and there is a small physicochemical difference between alanine and valine.